The following is an entry in ClinVar:

ClinVar aggregate classification (germline): Uncertain significance (1 of 4 stars; one submission).

Conditions:
Polyglucosan body myopathy type 1 (PGBM1). Also called: Polyglucosan body myopathy 1 with or without immunodeficiency; POLYGLUCOSAN BODY MYOPATHY WITHOUT IMMUNODEFICIENCY. Identifiers: Orphanet 329173, Orphanet 397937, MedGen C4014605, MONDO:0014389, OMIM 615895.

Allele frequency attached by ClinVar (database versions not stated): ExAC 0.00001; gnomAD exomes 0.00002; TOPMed 0.00003; gnomAD 0.00005.
gnomAD v4.1: 34 of 1,614,056 alleles (0.0021%); highest among the groups gnomAD compares: African/African-American, 0.0027%; no homozygotes.

Submission:

Labcorp Genetics (formerly Invitae), Labcorp
Classification: Uncertain significance for Polyglucosan body myopathy type 1. Last evaluated: 2022-08-03. Review status: criteria provided, single submitter. Criteria: Invitae Variant Classification Sherloc (09022015). Collection method: clinical testing. Allele origin: germline.
Comment: This sequence change replaces isoleucine, which is neutral and non-polar, with valine, which is neutral and non-polar, at codon 32 of the RBCK1 protein (p.Ile32Val). This variant is present in population databases (rs775299786, gnomAD 0.004%). This variant has not been reported in the literature in individuals affected with RBCK1-related conditions. Algorithms developed to predict the effect of missense changes on protein structure and function are either unavailable or do not agree on the potential impact of this missense change (SIFT: "Not Available"; PolyPhen-2: "Benign"; Align-GVGD: "Not Available"). In summary, the available evidence is currently insufficient to determine the role of this variant in disease. Therefore, it has been classified as a Variant of Uncertain Significance.

NM_031229.4(RBCK1):c.94A>G (p.Ile32Val)

Gene: RBCK1 (RANBP2-type and C3HC4-type zinc finger containing 1; plus strand). Cytogenetic location: 20p13.
Variant type: single nucleotide variant.
Coding change: c.94A>G on transcript NM_031229.4 (MANE Select); coding-DNA position 94, A replaced by G.
Protein change: p.Ile32Val; replaces isoleucine 32 with valine.
Molecular consequence: missense variant. On other transcripts: 5 prime UTR variant (1), non-coding transcript variant (1), intron variant (2).
Genome position (GRCh38, 1-based): chr20:409,952, A>G. VCF-style: chr20-409952-A-G. GRCh37 (hg19) VCF-style: chr20-390596-A-G.
Other names: c.-256A>G (NM_001323956.2); c.94A>G, p.Ile32Val (NM_001323960.2); c.145A>G, p.Ile49Val (NM_001410770.1); c.41+1173A>G (NM_006462.6); c.-183+1173A>G (NM_001323958.2); short protein forms I32V, I49V.
Identifiers: ClinVar variation 2051100 (VCV002051100.2), dbSNP rs775299786, ClinGen allele CA9722879.